The following is an entry in ClinVar:

NM_001348716.2(KDM6B):c.2917A>C (p.Lys973Gln)

Gene: KDM6B (lysine demethylase 6B; plus strand). Cytogenetic location: 17p13.1.
Variant type: single nucleotide variant.
Coding change: c.2917A>C on transcript NM_001348716.2 (MANE Select); coding-DNA position 2917, A replaced by C.
Protein change: p.Lys973Gln; replaces lysine 973 with glutamine.
Molecular consequence: missense variant.
Genome position (GRCh38, 1-based): chr17:7,849,205, A>C. VCF-style: chr17-7849205-A-C. GRCh37 (hg19) VCF-style: chr17-7752523-A-C.
Other names: c.2917A>C, p.Lys973Gln (NM_001080424.2); short protein forms K973Q.
Identifiers: ClinVar variation 1279053 (VCV001279053.18), dbSNP rs61764072, ClinGen allele CA8361038.

ClinVar aggregate classification (germline): Benign. Review status: criteria provided, multiple submitters, no conflicts (2 of 4 stars). 4 submissions from 4 submitters: Benign (3). 1 of the submissions does not count toward it. Last evaluated 2026-10-01.

Conditions:
KDM6B-related disorder. Also called: KDM6B-related condition.

Allele frequency attached by ClinVar (database versions not stated): 1000 Genomes Project 0.00399; ESP Exome Variant Server 0.00890; gnomAD 0.00896 and 0.00930; TOPMed 0.00945; gnomAD exomes 0.00952 and 0.01278; ExAC 0.01471; 1000 Genomes Project 30x 0.00359.
gnomAD v4.1: 19,761 of 1,598,990 alleles (1.2%); highest among the groups gnomAD compares: Middle Eastern, 1.6%; 157 homozygotes.

Submissions (4):

CeGaT Center for Human Genetics Tuebingen
Classification: Benign. Last evaluated: 2026-10-01. Review status: criteria provided, single submitter. Criteria: CeGaT Center For Human Genetics Tuebingen Variant Classification Criteria Version 2. Collection method: clinical testing. Allele origin: germline. Affected: yes. Observed: 49 variant alleles.
Comment: KDM6B: BS1, BS2

GeneDx
Classification: Benign. Last evaluated: 2015-03-03. Review status: criteria provided, single submitter. Criteria: GeneDx Variant Classification Process June 2021. Collection method: clinical testing. Allele origin: germline. Affected: yes.

Breakthrough Genomics
Classification: Benign. Review status: criteria provided, single submitter. Criteria: ACMG Guidelines, 2015. Collection method: not provided. Allele origin: germline. Inheritance: Autosomal dominant inheritance. Affected: yes.

PreventionGenetics, part of Exact Sciences
Classification: Benign for KDM6B-related condition. Last evaluated: 2019-11-04. Review status: no assertion criteria provided. Collection method: clinical testing. Allele origin: germline. Not counted in ClinVar's aggregate classification.
Comment: This variant is classified as benign based on ACMG/AMP sequence variant interpretation guidelines (Richards et al. 2015 PMID: 25741868, with internal and published modifications).